The following is an entry in ClinVar:

NM_014425.5(INVS):c.2540A>G (p.His847Arg)

Gene: INVS (inversin; plus strand). Cytogenetic location: 9q31.1.
Variant type: single nucleotide variant.
Coding change: c.2540A>G on transcript NM_014425.5 (MANE Select); coding-DNA position 2540, A replaced by G.
Protein change: p.His847Arg; replaces histidine 847 with arginine.
Molecular consequence: missense variant. On other transcripts: non-coding transcript variant (1).
Genome position (GRCh38, 1-based): chr9:100,292,797, A>G. VCF-style: chr9-100292797-A-G. GRCh37 (hg19) VCF-style: chr9-103055079-A-G.
Other names: c.2252A>G, p.His751Arg (NM_001318381.2); c.1562A>G, p.His521Arg (NM_001318382.2); short protein forms H847R, H521R, H751R.
Identifiers: ClinVar variation 2150921 (VCV002150921.1), dbSNP rs148073857, ClinGen allele CA5158652.

ClinVar aggregate classification (germline): Uncertain significance (1 of 4 stars; one submission).

Conditions:
Nephronophthisis. Also called: Juvenile Nephronophthisis. Identifiers: Orphanet 655, MedGen C0687120, MONDO:0019005, HP:0000090.

Allele frequency attached by ClinVar (database versions not stated): gnomAD 0.00001; ExAC 0.00002; TOPMed 0.00002; ESP Exome Variant Server 0.00008.
gnomAD v4.1: 74 of 1,613,998 alleles (0.0046%); highest among the groups gnomAD compares: Non-Finnish European, 0.0058%; no homozygotes.

Submission:

Labcorp Genetics (formerly Invitae), Labcorp
Classification: Uncertain significance for Nephronophthisis. Last evaluated: 2022-10-25. Review status: criteria provided, single submitter. Criteria: Invitae Variant Classification Sherloc (09022015). Collection method: clinical testing. Allele origin: germline.
Comment: This sequence change replaces histidine, which is basic and polar, with arginine, which is basic and polar, at codon 847 of the INVS protein (p.His847Arg). This variant is present in population databases (rs148073857, gnomAD 0.003%). This variant has not been reported in the literature in individuals affected with INVS-related conditions. Algorithms developed to predict the effect of missense changes on protein structure and function (SIFT, PolyPhen-2, Align-GVGD) all suggest that this variant is likely to be tolerated. In summary, the available evidence is currently insufficient to determine the role of this variant in disease. Therefore, it has been classified as a Variant of Uncertain Significance.